The following is an entry in ClinVar:

ClinVar aggregate classification (germline): Uncertain significance. Review status: criteria provided, multiple submitters, no conflicts (2 of 4 stars). 2 submissions from 2 submitters: Uncertain significance (2). Last evaluated 2025-08-10.

Conditions:
Inborn genetic diseases. Identifiers: MedGen C0950123, MeSH D030342.

Allele frequency attached by ClinVar (database versions not stated): gnomAD exomes 0.00003; TOPMed 0.00015; gnomAD 0.00022; ExAC 0.00003.
gnomAD v4.1: 75 of 1,611,730 alleles (0.0047%); highest among the groups gnomAD compares: Admixed American, 0.073%; no homozygotes.

Submissions (2):

Ambry Genetics
Classification: Uncertain significance for Inborn genetic diseases. Last evaluated: 2025-08-10. Review status: criteria provided, single submitter. Criteria: Ambry Variant Classification Scheme 2023. Collection method: clinical testing. Allele origin: germline.

Labcorp Genetics (formerly Invitae), Labcorp
Classification: Uncertain significance. Last evaluated: 2022-05-30. Review status: criteria provided, single submitter. Criteria: Invitae Variant Classification Sherloc (09022015). Collection method: clinical testing. Allele origin: germline.
Comment: This sequence change replaces arginine, which is basic and polar, with tryptophan, which is neutral and slightly polar, at codon 2981 of the PCNT protein (p.Arg2981Trp). This variant is present in population databases (rs777932072, gnomAD 0.04%). This variant has not been reported in the literature in individuals affected with PCNT-related conditions. Algorithms developed to predict the effect of missense changes on protein structure and function are either unavailable or do not agree on the potential impact of this missense change (SIFT: "Deleterious"; PolyPhen-2: "Possibly Damaging"; Align-GVGD: "Class C0"). In summary, the available evidence is currently insufficient to determine the role of this variant in disease. Therefore, it has been classified as a Variant of Uncertain Significance.

NM_006031.6(PCNT):c.8941C>T (p.Arg2981Trp)

Gene: PCNT (pericentrin; plus strand). Cytogenetic location: 21q22.3.
Variant type: single nucleotide variant.
Coding change: c.8941C>T on transcript NM_006031.6 (MANE Select); coding-DNA position 8941, C replaced by T.
Protein change: p.Arg2981Trp; replaces arginine 2981 with tryptophan.
Molecular consequence: missense variant.
Genome position (GRCh38, 1-based): chr21:46,436,093, C>T. VCF-style: chr21-46436093-C-T. GRCh37 (hg19) VCF-style: chr21-47856006-C-T.
Other names: c.8941C>T (NM_006031.5); c.8350C>T, p.Arg2784Trp (NM_001315529.2); short protein forms R2784W, R2981W.
Identifiers: ClinVar variation 1913376 (VCV001913376.3), dbSNP rs777932072, ClinGen allele CA10081126.